The following is an entry in ClinVar:

ClinVar aggregate classification (germline): Uncertain significance. Review status: criteria provided, multiple submitters, no conflicts (2 of 4 stars). 2 submissions from 2 submitters: Uncertain significance (2). Last evaluated 2024-02-24.

Conditions:
Bethlem myopathy 1A. Also called: Bethlem myopathy 1; Bethlem Muscular Dystrophy; MYOPATHY, BENIGN CONGENITAL, WITH CONTRACTURES. Identifiers: Orphanet 610, MedGen CN029274, MONDO:0024530, OMIM 158810.

Submissions (2):

Labcorp Genetics (formerly Invitae), Labcorp
Classification: Uncertain significance for Bethlem myopathy 1A. Last evaluated: 2024-02-24. Review status: criteria provided, single submitter. Criteria: Invitae Variant Classification Sherloc (09022015). Collection method: clinical testing. Allele origin: germline.
Comment: This sequence change replaces alanine, which is neutral and non-polar, with threonine, which is neutral and polar, at codon 1519 of the COL6A3 protein (p.Ala1519Thr). This variant is not present in population databases (gnomAD no frequency). This variant has not been reported in the literature in individuals affected with COL6A3-related conditions. ClinVar contains an entry for this variant (Variation ID: 1379619). Advanced modeling of protein sequence and biophysical properties (such as structural, functional, and spatial information, amino acid conservation, physicochemical variation, residue mobility, and thermodynamic stability) performed at Invitae indicates that this missense variant is expected to disrupt COL6A3 protein function with a positive predictive value of 80%. In summary, the available evidence is currently insufficient to determine the role of this variant in disease. Therefore, it has been classified as a Variant of Uncertain Significance.

GeneDx
Classification: Uncertain significance. Last evaluated: 2022-04-18. Review status: criteria provided, single submitter. Criteria: GeneDx Variant Classification Process June 2021. Collection method: clinical testing. Allele origin: germline. Affected: yes.
Comment: Not observed at significant frequency in large population cohorts (gnomAD); In silico analysis supports that this missense variant has a deleterious effect on protein structure/function; Has not been previously published as pathogenic or benign to our knowledge

NM_004369.4(COL6A3):c.4555G>A (p.Ala1519Thr)

Gene: COL6A3 (collagen type VI alpha 3 chain; minus strand). Cytogenetic location: 2q37.3.
Variant type: single nucleotide variant.
Coding change: c.4555G>A on transcript NM_004369.4 (MANE Select); coding-DNA position 4555, G replaced by A.
Protein change: p.Ala1519Thr; replaces alanine 1519 with threonine.
Molecular consequence: missense variant.
Genome position (GRCh38, 1-based): chr2:237,368,908, C>T on the plus strand (G>A on the coding strand, the complement: COL6A3 is on the minus strand). VCF-style: chr2-237368908-C-T. GRCh37 (hg19) VCF-style: chr2-238277551-C-T.
Other names: c.2734G>A, p.Ala912Thr (NM_057166.5); c.3937G>A, p.Ala1313Thr (NM_057167.4); short protein forms A912T, A1313T, A1519T.
Identifiers: ClinVar variation 1379619 (VCV001379619.7), dbSNP rs2077618678, ClinGen allele CA351193047.